The following is an entry in ClinVar:

ClinVar aggregate classification (germline): Likely benign (1 of 4 stars; one submission).

Allele frequency attached by ClinVar (database versions not stated): TOPMed below 0.00001; gnomAD exomes 0.00001.
gnomAD v4.1: 15 of 1,606,950 alleles (0.00093%); highest among the groups gnomAD compares: Middle Eastern, 0.017%; no homozygotes.

Submission:

CeGaT Center for Human Genetics Tuebingen
Classification: Likely benign. Last evaluated: 2022-09-01. Review status: criteria provided, single submitter. Criteria: CeGaT Center For Human Genetics Tuebingen Variant Classification Criteria Version 2. Collection method: clinical testing. Allele origin: germline. Affected: yes. Observed: 1 variant allele.
Comment: RP1L1: BP4

NM_178857.6(RP1L1):c.1363C>A (p.Pro455Thr)

Gene: RP1L1 (RP1 like 1). Cytogenetic location: 8p23.1.
Variant type: single nucleotide variant.
Coding change: c.1363C>A on transcript NM_178857.6 (MANE Select); coding-DNA position 1363, C replaced by A.
Protein change: p.Pro455Thr; replaces proline 455 with threonine.
Molecular consequence: missense variant.
Genome position (GRCh38, 1-based): chr8:10,612,735, G>T on the plus strand (C>A on the coding strand, the complement: RP1L1 is on the minus strand). VCF-style: chr8-10612735-G-T. GRCh37 (hg19) VCF-style: chr8-10470245-G-T.
Other names: short protein forms P455T.
Identifiers: ClinVar variation 2658396 (VCV002658396.24), dbSNP rs1019982948, ClinGen allele CA171947748.